The following is an entry in ClinVar:

NM_007286.6(SYNPO):c.323G>A (p.Ser108Asn)

Gene: SYNPO (synaptopodin; plus strand). Cytogenetic location: 5q33.1.
Variant type: single nucleotide variant.
Coding change: c.323G>A on transcript NM_007286.6 (MANE Select); coding-DNA position 323, G replaced by A.
Protein change: p.Ser108Asn; replaces serine 108 with asparagine.
Molecular consequence: missense variant.
Genome position (GRCh38, 1-based): chr5:150,648,598, G>A. VCF-style: chr5-150648598-G-A. GRCh37 (hg19) VCF-style: chr5-150028160-G-A.
Other names: c.323G>A, p.Ser108Asn (NM_001109974.3); c.1055G>A, p.Ser352Asn (NM_001166208.2, NM_001166209.2); short protein forms S108N, S352N.
Identifiers: ClinVar variation 2411032 (VCV002411032.4), dbSNP rs373212175, ClinGen allele CA3513206.
Genomic context (GRCh38, chr5:150,648,598, plus strand): 5'-GCCACAATCCGCCAGCCACCGATGTCAATCAGAACCCACCGGCAACTGTTGTCCCACAGA[G>A]CCTGCCACTTTCTAGCATCCAACAGAATTCCTCAGAGGCCCAACTCCCATCTAATGGCAC-3'
Protein context (NP_009217.3, residues 98-118): QNPPATVVPQ[Ser108Asn]LPLSSIQQNS

ClinVar aggregate classification (germline): Uncertain significance. Review status: criteria provided, multiple submitters, no conflicts (2 of 4 stars). 2 submissions from 2 submitters: Uncertain significance (2). Last evaluated 2025-10-24.

Allele frequency attached by ClinVar (database versions not stated): TOPMed 0.00002; gnomAD 0.00003; gnomAD exomes 0.00005; ExAC 0.00007; ESP Exome Variant Server 0.00008.
gnomAD v4.1: 73 of 1,614,076 alleles (0.0045%); highest among the groups gnomAD compares: Admixed American, 0.017%; no homozygotes.

Submissions (2):

Labcorp Genetics (formerly Invitae), Labcorp
Classification: Uncertain significance. Last evaluated: 2025-10-24. Review status: criteria provided, single submitter. Criteria: Invitae Variant Classification Sherloc (09022015). Collection method: clinical testing. Allele origin: germline.
Comment: This sequence change replaces serine, which is neutral and polar, with asparagine, which is neutral and polar, at codon 108 of the SYNPO protein (p.Ser108Asn). This variant is present in population databases (rs373212175, gnomAD 0.02%). This variant has not been reported in the literature in individuals affected with SYNPO-related conditions. ClinVar contains an entry for this variant (Variation ID: 2411032). An algorithm developed to predict the effect of missense changes on protein structure and function (PolyPhen-2) suggests that this variant is likely to be tolerated. In summary, the available evidence is currently insufficient to determine the role of this variant in disease. Therefore, it has been classified as a Variant of Uncertain Significance.

Ambry Genetics
Classification: Uncertain significance. Last evaluated: 2025-06-07. Review status: criteria provided, single submitter. Criteria: Ambry Variant Classification Scheme 2023. Collection method: clinical testing. Allele origin: germline.